The following is an entry in ClinVar:

ClinVar aggregate classification (germline): Benign. Review status: criteria provided, multiple submitters, no conflicts (2 of 4 stars). 6 submissions from 6 submitters: Benign (5). 1 of the submissions does not count toward it. Last evaluated 2026-02-03.

Conditions:
Congenital myasthenic syndrome 8. Also called: Myasthenic syndrome, congenital, 8, with pre- and postsynaptic defects; MYASTHENIC SYNDROME, CONGENITAL, DUE TO AGRIN DEFICIENCY. Identifiers: Orphanet 590, MedGen C3808739, MONDO:0014052, OMIM 615120.

Allele frequency attached by ClinVar (database versions not stated): ExAC 0.01344; gnomAD 0.04397 and 0.04750; 1000 Genomes Project 0.04593; 1000 Genomes Project 30x 0.04903; TOPMed 0.04961; ESP Exome Variant Server 0.05170.
gnomAD v4.1: 13,158 of 1,612,926 alleles (0.82%); highest among the groups gnomAD compares: African/African-American, 16%; 928 homozygotes.

Submissions (6):

Labcorp Genetics (formerly Invitae), Labcorp
Classification: Benign for Congenital myasthenic syndrome 8. Last evaluated: 2026-02-03. Review status: criteria provided, single submitter. Criteria: Invitae Variant Classification Sherloc (09022015). Collection method: clinical testing. Allele origin: germline.

Mayo Clinic Laboratories, Mayo Clinic
Classification: Benign. Last evaluated: 2023-11-02. Review status: criteria provided, single submitter. Criteria: ACMG Guidelines, 2015. Collection method: clinical testing. Allele origin: germline. Observed: 12 variant alleles.
Comment: BA1, BS2, BP4

GeneDx
Classification: Benign. Last evaluated: 2016-07-15. Review status: criteria provided, single submitter. Criteria: GeneDx Variant Classification (06012015). Collection method: clinical testing. Allele origin: germline. Affected: yes.
Comment: This variant is considered likely benign or benign based on one or more of the following criteria: it is a conservative change, it occurs at a poorly conserved position in the protein, it is predicted to be benign by multiple in silico algorithms, and/or has population frequency not consistent with disease.

Breakthrough Genomics
Classification: Benign. Review status: criteria provided, single submitter. Criteria: ACMG Guidelines, 2015. Collection method: not provided. Allele origin: germline. Inheritance: Autosomal recessive inheritance. Affected: yes.

PreventionGenetics, part of Exact Sciences
Classification: Benign. Review status: criteria provided, single submitter. Criteria: ACMG Guidelines, 2015. Collection method: clinical testing. Allele origin: germline.

Genetic Services Laboratory, University of Chicago
Classification: Likely benign for AllHighlyPenetrant. Review status: no assertion criteria provided. Collection method: clinical testing. Allele origin: germline. Inheritance: Autosomal recessive inheritance. Not counted in ClinVar's aggregate classification.
Comment: Likely benign based on allele frequency in 1000 Genomes Project or ESP global frequency and its presence in a patient with a rare or unrelated disease phenotype. NOT Sanger confirmed.

NM_198576.4(AGRN):c.4996G>A (p.Val1666Ile)

Gene: AGRN (agrin; plus strand). Cytogenetic location: 1p36.33.
Variant type: single nucleotide variant.
Coding change: c.4996G>A on transcript NM_198576.4 (MANE Select); coding-DNA position 4996, G replaced by A.
Protein change: p.Val1666Ile; replaces valine 1666 with isoleucine.
Molecular consequence: missense variant.
Genome position (GRCh38, 1-based): chr1:1,050,446, G>A. VCF-style: chr1-1050446-G-A. GRCh37 (hg19) VCF-style: chr1-985826-G-A.
Other names: p.Val1666Ile; c.4996G>A (LRG_198t1); c.4996G>A, p.Val1666Ile (NM_001305275.2); c.4681G>A, p.Val1561Ile (NM_001364727.2); short protein forms V1666I, V1561I.
Identifiers: ClinVar variation 128312 (VCV000128312.18), dbSNP rs17160775, ClinGen allele CA151669.